The following is an entry in ClinVar:

NM_000069.3(CACNA1S):c.-10C>T

Gene: CACNA1S (calcium voltage-gated channel subunit alpha1 S; minus strand). Cytogenetic location: 1q32.1.
Variant type: single nucleotide variant.
Coding change: c.-10C>T on transcript NM_000069.3 (MANE Select); 10 bases upstream of the start codon, C replaced by T.
Molecular consequence: 5 prime UTR variant.
Genome position (GRCh38, 1-based): chr1:201,112,349, G>A on the plus strand (C>T on the coding strand, the complement: CACNA1S is on the minus strand). VCF-style: chr1-201112349-G-A. GRCh37 (hg19) VCF-style: chr1-201081477-G-A.
Identifiers: ClinVar variation 3074324 (VCV003074324.1), dbSNP rs2464702035, ClinGen allele CA2747337630.

ClinVar aggregate classification (germline): Uncertain significance (1 of 4 stars; one submission).

Conditions:
Malignant hyperthermia, susceptibility to, 5 (MHS5). Also called: CACNA1S-Related Malignant Hyperthermia Susceptibility. Identifiers: Orphanet 423, MedGen C1866077, MONDO:0011163, OMIM 601887.

Submission:

All of Us Research Program, National Institutes of Health
Classification: Uncertain significance for Malignant hyperthermia, susceptibility to, 5. Last evaluated: 2023-11-02. Review status: criteria provided, single submitter. Criteria: ACMG Guidelines, 2015. Collection method: clinical testing. Allele origin: germline. Inheritance: Autosomal dominant inheritance. Observed: 1 variant allele, 1 heterozygote.
Comment: This variant causes a C to T nucleotide substitution at the -10 position of the 5' untranslated region in the CACNA1S gene. To our knowledge, functional studies have not been reported for this variant. This variant has not been reported in individuals affected with CACNA1S-related disorders in the literature. This variant has not been identified in the general population by the Genome Aggregation Database (gnomAD). The available evidence is insufficient to determine the role of this variant in disease conclusively. Therefore, this variant is classified as a Variant of Uncertain Significance.

This study involves interpretation of variants in research participants for the purpose of population health screening. Participant phenotype was not available at the time of variant classification. Additional details can be found in publication PMID: 35346344, PMCID: PMC8962531